The following is an entry in ClinVar:

ClinVar aggregate classification (germline): Conflicting classifications of pathogenicity. Review status: criteria provided, conflicting classifications (1 of 4 stars). 2 submissions from 2 submitters: Likely pathogenic (1); Uncertain significance (1). Last evaluated 2024-07-01.

Submissions (2):

GeneDx
Classification: Likely pathogenic. Last evaluated: 2024-07-01. Review status: criteria provided, single submitter. Criteria: GeneDx Variant Classification Process June 2021. Collection method: clinical testing. Allele origin: germline. Affected: yes.
Comment: Canonical splice site variant predicted to result in a null allele in a gene for which loss of function is a known mechanism of disease; Not observed at significant frequency in large population cohorts (gnomAD); Has not been previously published as pathogenic or benign to our knowledge

Blueprint Genetics
Classification: Uncertain significance. Last evaluated: 2022-02-18. Review status: criteria provided, single submitter. Criteria: ACMG Guidelines, 2015. Collection method: clinical testing. Allele origin: germline.

NM_033163.5(FGF8):c.32+1G>C

Gene: FGF8 (fibroblast growth factor 8; minus strand). Cytogenetic location: 10q24.32.
Variant type: single nucleotide variant.
Coding change: c.32+1G>C on transcript NM_033163.5 (MANE Select); the canonical splice donor site of the intron after coding-DNA position 32, G replaced by C.
Molecular consequence: splice donor variant. On other transcripts: intron variant (1).
Genome position (GRCh38, 1-based): chr10:101,775,868, C>G on the plus strand (G>C on the coding strand, the complement: FGF8 is on the minus strand). VCF-style: chr10-101775868-C-G. GRCh37 (hg19) VCF-style: chr10-103535625-C-G.
Other names: c.-160-92G>C (NM_001206389.2); c.32+1G>C (NM_033165.5, NM_006119.6, NM_033164.4).
Identifiers: ClinVar variation 3393569 (VCV003393569.2).